The following is an entry in ClinVar:

NM_001793.6(CDH3):c.1301T>C (p.Val434Ala)

Gene: CDH3 (cadherin 3; plus strand). Cytogenetic location: 16q22.1.
Variant type: single nucleotide variant.
Coding change: c.1301T>C on transcript NM_001793.6 (MANE Select); coding-DNA position 1301, T replaced by C.
Protein change: p.Val434Ala; replaces valine 434 with alanine.
Molecular consequence: missense variant.
Genome position (GRCh38, 1-based): chr16:68,684,701, T>C. VCF-style: chr16-68684701-T-C. GRCh37 (hg19) VCF-style: chr16-68718604-T-C.
Other names: c.1301T>C, p.Val434Ala (NM_001317195.3); c.1136T>C, p.Val379Ala (NM_001317196.2); short protein forms V379A, V434A.
Identifiers: ClinVar variation 1040653 (VCV001040653.8), dbSNP rs755286797, ClinGen allele CA8129323.
Genomic context (GRCh38, chr16:68,684,701, plus strand): 5'-CCCCTTTTGTGCTGAAGCTCCCAACCTCCACAGCCACCATAGTGGTCCACGTGGAGGATG[T>C]GAATGAGGCACCTGTGTTTGTCCCACCCTCCAAAGTCGTTGAGGTCCAGGAGGGCATCCC-3'
Protein context (NP_001784.2, residues 424-444): TATIVVHVED[Val434Ala]NEAPVFVPPS

ClinVar aggregate classification (germline): Uncertain significance. Review status: criteria provided, multiple submitters, no conflicts (2 of 4 stars). 2 submissions from 2 submitters: Uncertain significance (2). Last evaluated 2024-11-11.

Allele frequency attached by ClinVar (database versions not stated): gnomAD below 0.00001 and 0.00001; TOPMed below 0.00001; gnomAD exomes 0.00001 and 0.00002; ExAC 0.00002.
gnomAD v4.1: 19 of 1,614,054 alleles (0.0012%); highest among the groups gnomAD compares: South Asian, 0.02%; no homozygotes.

Submissions (2):

Labcorp Genetics (formerly Invitae), Labcorp
Classification: Uncertain significance. Last evaluated: 2024-11-11. Review status: criteria provided, single submitter. Criteria: Invitae Variant Classification Sherloc (09022015). Collection method: clinical testing. Allele origin: germline.
Comment: This sequence change replaces valine, which is neutral and non-polar, with alanine, which is neutral and non-polar, at codon 434 of the CDH3 protein (p.Val434Ala). This variant is present in population databases (rs755286797, gnomAD 0.02%). This variant has not been reported in the literature in individuals affected with CDH3-related conditions. ClinVar contains an entry for this variant (Variation ID: 1040653). Invitae Evidence Modeling of protein sequence and biophysical properties (such as structural, functional, and spatial information, amino acid conservation, physicochemical variation, residue mobility, and thermodynamic stability) indicates that this missense variant is not expected to disrupt CDH3 protein function with a negative predictive value of 80%. In summary, the available evidence is currently insufficient to determine the role of this variant in disease. Therefore, it has been classified as a Variant of Uncertain Significance.

Blueprint Genetics
Classification: Uncertain significance. Last evaluated: 2024-09-11. Review status: criteria provided, single submitter. Criteria: ACMG Guidelines, 2015. Collection method: clinical testing. Allele origin: germline.